The following is an entry in ClinVar:

ClinVar aggregate classification (germline): Uncertain significance (1 of 4 stars; one submission).

Conditions:
Charcot-Marie-Tooth disease, type I (CMT1). Also called: Charcot-Marie-Tooth, Type 1; Charcot-Marie-Tooth disease type 1. Identifiers: Orphanet 65753, MedGen C0751036, MONDO:0019011.

Submission:

Labcorp Genetics (formerly Invitae), Labcorp
Classification: Uncertain significance for Charcot-Marie-Tooth disease, type I. Last evaluated: 2020-08-09. Review status: criteria provided, single submitter. Criteria: Invitae Variant Classification Sherloc (09022015). Collection method: clinical testing. Allele origin: germline.
Comment: In summary, the available evidence is currently insufficient to determine the role of this variant in disease. Therefore, it has been classified as a Variant of Uncertain Significance. Algorithms developed to predict the effect of missense changes on protein structure and function are either unavailable or do not agree on the potential impact of this missense change (SIFT: "Not Available"; PolyPhen-2: "Possibly Damaging"; Align-GVGD: "Not Available"). This variant has not been reported in the literature in individuals with EGR2-related conditions. This variant is not present in population databases (ExAC no frequency). This sequence change replaces arginine with glycine at codon 415 of the EGR2 protein (p.Arg415Gly). The arginine residue is highly conserved and there is a moderate physicochemical difference between arginine and glycine.

NM_000399.5(EGR2):c.1243C>G (p.Arg415Gly)

Gene: EGR2 (early growth response 2; minus strand). Cytogenetic location: 10q21.3.
Variant type: single nucleotide variant.
Coding change: c.1243C>G on transcript NM_000399.5 (MANE Select); coding-DNA position 1243, C replaced by G.
Protein change: p.Arg415Gly; replaces arginine 415 with glycine.
Molecular consequence: missense variant.
Genome position (GRCh38, 1-based): chr10:62,813,395, G>C on the plus strand (C>G on the coding strand, the complement: EGR2 is on the minus strand). VCF-style: chr10-62813395-G-C. GRCh37 (hg19) VCF-style: chr10-64573155-G-C.
Other names: c.1243C>G, p.Arg415Gly (NM_001136177.3, NM_001136178.2); c.1093C>G, p.Arg365Gly (NM_001136179.3, NM_001321037.2); short protein forms R365G, R415G.
Identifiers: ClinVar variation 1018846 (VCV001018846.7), dbSNP rs1842163429, ClinGen allele CA377027274.